The following is an entry in ClinVar:

NM_173500.4(TTBK2):c.2273A>G (p.Glu758Gly)

Gene: TTBK2 (tau tubulin kinase 2; minus strand). Cytogenetic location: 15q15.2.
Variant type: single nucleotide variant.
Coding change: c.2273A>G on transcript NM_173500.4 (MANE Select); coding-DNA position 2273, A replaced by G.
Protein change: p.Glu758Gly; replaces glutamic acid 758 with glycine.
Molecular consequence: missense variant.
Genome position (GRCh38, 1-based): chr15:42,752,973, T>C on the plus strand (A>G on the coding strand, the complement: TTBK2 is on the minus strand). VCF-style: chr15-42752973-T-C. GRCh37 (hg19) VCF-style: chr15-43045171-T-C.
Other names: short protein forms E758G.
Identifiers: ClinVar variation 3676465 (VCV003676465.2).

ClinVar aggregate classification (germline): Uncertain significance (1 of 4 stars; one submission).

gnomAD v4.1: 6 of 1,614,110 alleles (0.00037%); highest among the groups gnomAD compares: African/African-American, 0.008%; no homozygotes.

Submission:

Labcorp Genetics (formerly Invitae), Labcorp
Classification: Uncertain significance. Last evaluated: 2024-03-19. Review status: criteria provided, single submitter. Criteria: Invitae Variant Classification Sherloc (09022015). Collection method: clinical testing. Allele origin: germline.
Comment: This sequence change replaces glutamic acid, which is acidic and polar, with glycine, which is neutral and non-polar, at codon 758 of the TTBK2 protein (p.Glu758Gly). This variant is not present in population databases (gnomAD no frequency). This variant has not been reported in the literature in individuals affected with TTBK2-related conditions. An algorithm developed to predict the effect of missense changes on protein structure and function (PolyPhen-2) suggests that this variant is likely to be tolerated. In summary, the available evidence is currently insufficient to determine the role of this variant in disease. Therefore, it has been classified as a Variant of Uncertain Significance.